The following is an entry in ClinVar:

ClinVar aggregate classification (germline): Benign/Likely benign. Review status: criteria provided, multiple submitters, no conflicts (2 of 4 stars). 7 submissions from 7 submitters: Benign (1); Likely benign (3). 3 of the submissions do not count toward it. Last evaluated 2025-10-10.

Conditions:
SORL1-related disorder. Also called: SORL1-related condition.

Allele frequency attached by ClinVar (database versions not stated): 1000 Genomes Project 0.00040; 1000 Genomes Project 30x 0.00047; ExAC 0.00052; gnomAD exomes 0.00054; gnomAD 0.00061 and 0.00065; TOPMed 0.00061; ESP Exome Variant Server 0.00108.
gnomAD v4.1: 1,330 of 1,614,206 alleles (0.082%); highest among the groups gnomAD compares: Non-Finnish European, 0.11%; no homozygotes.

Submissions (7):

Labcorp Genetics (formerly Invitae), Labcorp
Classification: Likely benign. Last evaluated: 2025-10-10. Review status: criteria provided, single submitter. Criteria: Invitae Variant Classification Sherloc (09022015). Collection method: clinical testing. Allele origin: germline.

Blueprint Genetics
Classification: Likely benign. Last evaluated: 2024-10-03. Review status: criteria provided, single submitter. Criteria: ACMG Guidelines, 2015. Collection method: clinical testing. Allele origin: germline.

CeGaT Center for Human Genetics Tuebingen
Classification: Benign. Last evaluated: 2022-05-01. Review status: criteria provided, single submitter. Criteria: CeGaT Center For Human Genetics Tuebingen Variant Classification Criteria Version 2. Collection method: clinical testing. Allele origin: germline. Affected: yes. Observed: 1 variant allele.
Comment: SORL1: BS1, BS2

Breakthrough Genomics
Classification: Likely benign. Review status: criteria provided, single submitter. Criteria: ACMG Guidelines, 2015. Collection method: not provided. Allele origin: germline. Inheritance: Unknown mechanism. Affected: yes.

PreventionGenetics, part of Exact Sciences
Classification: Likely benign for SORL1-related condition. Last evaluated: 2024-01-23. Review status: no assertion criteria provided. Collection method: clinical testing. Allele origin: germline. Not counted in ClinVar's aggregate classification.
Comment: This variant is classified as likely benign based on ACMG/AMP sequence variant interpretation guidelines (Richards et al. 2015 PMID: 25741868, with internal and published modifications).

Clinical Genetics DNA and cytogenetics Diagnostics Lab, Erasmus MC, Erasmus Medical Center
Classification: Likely benign. Review status: no assertion criteria provided. Collection method: clinical testing. Allele origin: germline. Affected: yes. Study: VKGL Data-share Consensus. Not counted in ClinVar's aggregate classification.

Genome Diagnostics Laboratory, Amsterdam University Medical Center
Classification: Likely benign. Review status: no assertion criteria provided. Collection method: clinical testing. Allele origin: germline. Affected: yes. Study: VKGL Data-share Consensus. Not counted in ClinVar's aggregate classification.

NM_003105.6(SORL1):c.6021A>G (p.Gln2007=)

Gene: SORL1 (sortilin related receptor 1; plus strand). Cytogenetic location: 11q24.1.
Variant type: single nucleotide variant.
Coding change: c.6021A>G on transcript NM_003105.6 (MANE Select); coding-DNA position 6021, A replaced by G.
Protein change: p.Gln2007=; no amino-acid change (glutamine 2007 retained).
Molecular consequence: synonymous variant.
Genome position (GRCh38, 1-based): chr11:121,621,195, A>G. VCF-style: chr11-121621195-A-G. GRCh37 (hg19) VCF-style: chr11-121491904-A-G.
Identifiers: ClinVar variation 778073 (VCV000778073.38), dbSNP rs141089496, ClinGen allele CA6330149.
Genomic context (GRCh38, chr11:121,621,195, plus strand): 5'-CACTGTGGAATACACCCTTAACAAGTTGGAGCCTGGCGGGAAATACCACATCATTGTCCA[A>G]CTGGGGAACATGAGCAAAGATTCCAGCATAAAAATTACCACAGGTAAGCAGGAGAGAGGT-3'
Protein context (NP_003096.2, residues 1997-2017): EPGGKYHIIV[Gln2007=]LGNMSKDSSI